The following is an entry in ClinVar:

NM_005591.4(MRE11):c.775C>G (p.Gln259Glu)

Gene: MRE11 (MRE11 double strand break repair nuclease; minus strand). Cytogenetic location: 11q21.
Variant type: single nucleotide variant.
Coding change: c.775C>G on transcript NM_005591.4 (MANE Select); coding-DNA position 775, C replaced by G.
Protein change: p.Gln259Glu; replaces glutamine 259 with glutamic acid.
Molecular consequence: missense variant.
Genome position (GRCh38, 1-based): chr11:94,471,644, G>C on the plus strand (C>G on the coding strand, the complement: MRE11 is on the minus strand). VCF-style: chr11-94471644-G-C. GRCh37 (hg19) VCF-style: chr11-94204810-G-C.
Other names: c.775C>G, p.Gln259Glu (NM_001330347.2, NM_005590.4); short protein forms Q259E.
Identifiers: ClinVar variation 407889 (VCV000407889.12), dbSNP rs1060501788, ClinGen allele CA16613706.

ClinVar aggregate classification (germline): Uncertain significance. Review status: criteria provided, multiple submitters, no conflicts (2 of 4 stars). 2 submissions from 2 submitters: Uncertain significance (2). Last evaluated 2024-05-18.

Conditions:
Ataxia-telangiectasia-like disorder (ATLD). Identifiers: MedGen C1858391, MONDO:0011457.
Hereditary cancer-predisposing syndrome. Also called: Hereditary Cancer Syndrome; Hereditary neoplastic syndrome; Neoplastic Syndromes, Hereditary; Tumor predisposition. Identifiers: Orphanet 140162, MedGen C0027672, MeSH D009386, MONDO:0015356.

Submissions (2):

Ambry Genetics
Classification: Uncertain significance for Hereditary cancer-predisposing syndrome. Last evaluated: 2024-05-18. Review status: criteria provided, single submitter. Criteria: Ambry Variant Classification Scheme 2023. Collection method: clinical testing. Allele origin: germline.
Comment: The p.Q259E variant (also known as c.775C>G), located in coding exon 7 of the MRE11A gene, results from a C to G substitution at nucleotide position 775. The glutamine at codon 259 is replaced by glutamic acid, an amino acid with highly similar properties. This amino acid position is highly conserved in available vertebrate species. In addition, the in silico prediction for this alteration is inconclusive. Since supporting evidence is limited at this time, the clinical significance of this alteration remains unclear.

Labcorp Genetics (formerly Invitae), Labcorp
Classification: Uncertain significance for Ataxia-telangiectasia-like disorder. Last evaluated: 2021-08-20. Review status: criteria provided, single submitter. Criteria: Invitae Variant Classification Sherloc (09022015). Collection method: clinical testing. Allele origin: germline.
Comment: This sequence change replaces glutamine with glutamic acid at codon 259 of the MRE11 protein (p.Gln259Glu). The glutamine residue is moderately conserved and there is a small physicochemical difference between glutamine and glutamic acid. This variant is not present in population databases (ExAC no frequency). This variant has not been reported in the literature in individuals affected with MRE11-related conditions. Algorithms developed to predict the effect of missense changes on protein structure and function (SIFT, PolyPhen-2, Align-GVGD) all suggest that this variant is likely to be tolerated. In summary, the available evidence is currently insufficient to determine the role of this variant in disease. Therefore, it has been classified as a Variant of Uncertain Significance.